The following is an entry in ClinVar:

NM_004260.4(RECQL4):c.3502G>T (p.Gly1168Ter)

Gene: RECQL4 (RecQ like helicase 4; minus strand). Cytogenetic location: 8q24.3.
Variant type: single nucleotide variant.
Coding change: c.3502G>T on transcript NM_004260.4 (MANE Select); coding-DNA position 3502, G replaced by T.
Protein change: p.Gly1168Ter; replaces glycine 1168 with a stop codon.
Molecular consequence: nonsense.
Genome position (GRCh38, 1-based): chr8:144,511,681, C>A on the plus strand (G>T on the coding strand, the complement: RECQL4 is on the minus strand). VCF-style: chr8-144511681-C-A. GRCh37 (hg19) VCF-style: chr8-145737064-C-A.
Other names: short protein forms G1168*.
Identifiers: ClinVar variation 1009901 (VCV001009901.5), dbSNP rs781543298, ClinGen allele CA372666408.

ClinVar aggregate classification (germline): Uncertain significance (1 of 4 stars; one submission).

Conditions:
Baller-Gerold syndrome (BGS). Also called: CRANIOSYNOSTOSIS WITH RADIAL DEFECTS. Identifiers: Orphanet 1225, MedGen C0265308, MONDO:0009039, OMIM 218600.

gnomAD v4.1: 1 of 1,612,374 alleles (0.000062%); highest among the groups gnomAD compares: Non-Finnish European, 0.000085%; no homozygotes.

Submission:

Labcorp Genetics (formerly Invitae), Labcorp
Classification: Uncertain significance for Baller-Gerold syndrome. Last evaluated: 2020-10-27. Review status: criteria provided, single submitter. Criteria: Invitae Variant Classification Sherloc (09022015). Collection method: clinical testing. Allele origin: germline.
Comment: This variant is not present in population databases (ExAC no frequency). In summary, the available evidence is currently insufficient to determine the role of this variant in disease. Therefore, it has been classified as a Variant of Uncertain Significance. This variant also falls in the last nucleotide of the exon, which is part of the consensus splice site. Nucleotide substitutions within the consensus splice site are a relatively common cause of aberrant splicing (PMID: 17576681, 9536098). Algorithms developed to predict the effect of sequence changes on RNA splicing suggest that this variant may disrupt the consensus splice site, but this prediction has not been confirmed by published transcriptional studies. This variant has not been reported in the literature in individuals with RECQL4-related conditions. This sequence change creates a premature translational stop signal (p.Gly1168*) in the RECQL4 gene. While this is not anticipated to result in nonsense mediated decay, it is expected to disrupt the last 41 amino acid(s) of the RECQL4 protein.

Literature cited by the submitters: PubMed 17576681; PubMed 9536098.